The following is an entry in ClinVar:

ClinVar aggregate classification (germline): Uncertain significance. Review status: criteria provided, multiple submitters, no conflicts (2 of 4 stars). 2 submissions from 2 submitters: Uncertain significance (2). Last evaluated 2025-08-04.

Conditions:
Emery-Dreifuss muscular dystrophy (EDMD). Also called: Scapuloperoneal syndrome, X-linked (formerly); Humeroperoneal neuromuscular disease, (formerly). Identifiers: Orphanet 261, MedGen C0410189, MONDO:0016830.

Allele frequency attached by ClinVar (database versions not stated): ExAC 0.00003; gnomAD 0.00005; TOPMed 0.00005; ESP Exome Variant Server 0.00008.
gnomAD v4.1: 46 of 1,613,820 alleles (0.0029%); highest among the groups gnomAD compares: East Asian, 0.018%; no homozygotes.

Submissions (2):

Labcorp Genetics (formerly Invitae), Labcorp
Classification: Uncertain significance for Emery-Dreifuss muscular dystrophy. Last evaluated: 2025-08-04. Review status: criteria provided, single submitter. Criteria: Invitae Variant Classification Sherloc (09022015). Collection method: clinical testing. Allele origin: germline.
Comment: This sequence change replaces arginine, which is basic and polar, with cysteine, which is neutral and slightly polar, at codon 52 of the SUN2 protein (p.Arg52Cys). This variant is present in population databases (rs148173955, gnomAD 0.05%). This variant has not been reported in the literature in individuals affected with SUN2-related conditions. ClinVar contains an entry for this variant (Variation ID: 2042773). An algorithm developed to predict the effect of missense changes on protein structure and function (PolyPhen-2) suggests that this variant is likely to be disruptive. In summary, the available evidence is currently insufficient to determine the role of this variant in disease. Therefore, it has been classified as a Variant of Uncertain Significance.

Ambry Genetics
Classification: Uncertain significance. Last evaluated: 2024-05-28. Review status: criteria provided, single submitter. Criteria: Ambry Variant Classification Scheme 2023. Collection method: clinical testing. Allele origin: germline.

NM_015374.3(SUN2):c.154C>T (p.Arg52Cys)

Gene: SUN2 (Sad1 and UNC84 domain containing 2; minus strand). Cytogenetic location: 22q13.1.
Variant type: single nucleotide variant.
Coding change: c.154C>T on transcript NM_015374.3 (MANE Select); coding-DNA position 154, C replaced by T.
Protein change: p.Arg52Cys; replaces arginine 52 with cysteine.
Molecular consequence: missense variant. On other transcripts: intron variant (2).
Genome position (GRCh38, 1-based): chr22:38,751,342, G>A on the plus strand (C>T on the coding strand, the complement: SUN2 is on the minus strand). VCF-style: chr22-38751342-G-A. GRCh37 (hg19) VCF-style: chr22-39147347-G-A.
Other names: c.154C>T, p.Arg52Cys (NM_001199579.2, NM_001199580.2, NM_001394427.1 and 16 more transcripts); c.122+1165C>T (NM_001394443.1); c.123-59C>T (NM_001394438.1); short protein forms R52C.
Identifiers: ClinVar variation 2042773 (VCV002042773.6), dbSNP rs148173955, ClinGen allele CA10236079.
Genomic context (GRCh38, chr22:38,751,342, plus strand): 5'-CACTGTAGTAGGAGGTGTGTGCATCAGAGGACGGGCCCAGCTGTGGCGCTGGGGACAGGC[G>A]CTTCATGTTGCTGGATTTCCTCTTCAAGGTCCTGTGGGACAACCATGAGGGCAGAGGTAG-3'
Protein context (NP_056189.1, residues 42-62): TLKRKSSNMK[Arg52Cys]LSPAPQLGPS